The following is an entry in ClinVar:

NM_152743.4(BRAT1):c.884T>A (p.Met295Lys)

Gene: BRAT1 (BRCA1 associated ATM activator 1; minus strand). Cytogenetic location: 7p22.3.
Variant type: single nucleotide variant.
Coding change: c.884T>A on transcript NM_152743.4 (MANE Select); coding-DNA position 884, T replaced by A.
Protein change: p.Met295Lys; replaces methionine 295 with lysine.
Molecular consequence: missense variant. On other transcripts: non-coding transcript variant (1).
Genome position (GRCh38, 1-based): chr7:2,543,243, A>T on the plus strand (T>A on the coding strand, the complement: BRAT1 is on the minus strand). VCF-style: chr7-2543243-A-T. GRCh37 (hg19) VCF-style: chr7-2582877-A-T.
Other names: c.884T>A, p.Met295Lys (NM_001350626.2); c.359T>A, p.Met120Lys (NM_001350627.2); short protein forms M295K, M120K.
Identifiers: ClinVar variation 472983 (VCV000472983.5), dbSNP rs201041622, ClinGen allele CA4128027.
Genomic context (GRCh38, chr7:2,543,243, plus strand): 5'-GAAATGCACCCCAGACCATACCAGTGCTCGAGCTTCAGGATCCCCAAAGCCAGGGGTCCC[A>T]TGTGGGTGGGACCCAGGCAGCTCAGAGCCCGCGCCACTGTCTCCCACAGGCTGCCGTCGG-3'
Protein context (NP_689956.2, residues 285-305): RALSCLGPTH[Met295Lys]GPLALGILKL

ClinVar aggregate classification (germline): Uncertain significance (1 of 4 stars; one submission).

Conditions:
Neonatal-onset encephalopathy with rigidity and seizures. Also called: Lethal neonatal spasticity-epileptic encephalopathy syndrome. Identifiers: Orphanet 435845, MedGen C3281029, MONDO:0013784, OMIM 614498.

Allele frequency attached by ClinVar (database versions not stated): gnomAD 0.00001 and 0.00003; gnomAD exomes 0.00001 and 0.00006; TOPMed 0.00003; ExAC 0.00006; 1000 Genomes Project 0.00040; 1000 Genomes Project 30x 0.00047.
gnomAD v4.1: 29 of 1,610,402 alleles (0.0018%); highest among the groups gnomAD compares: Admixed American, 0.034%; no homozygotes.

Submission:

Labcorp Genetics (formerly Invitae), Labcorp
Classification: Uncertain significance for Neonatal-onset encephalopathy with rigidity and seizures. Last evaluated: 2024-10-23. Review status: criteria provided, single submitter. Criteria: Invitae Variant Classification Sherloc (09022015). Collection method: clinical testing. Allele origin: germline.
Comment: This sequence change replaces methionine, which is neutral and non-polar, with lysine, which is basic and polar, at codon 295 of the BRAT1 protein (p.Met295Lys). This variant is present in population databases (rs201041622, gnomAD 0.03%). This variant has not been reported in the literature in individuals affected with BRAT1-related conditions. ClinVar contains an entry for this variant (Variation ID: 472983). Invitae Evidence Modeling of protein sequence and biophysical properties (such as structural, functional, and spatial information, amino acid conservation, physicochemical variation, residue mobility, and thermodynamic stability) indicates that this missense variant is not expected to disrupt BRAT1 protein function with a negative predictive value of 95%. In summary, the available evidence is currently insufficient to determine the role of this variant in disease. Therefore, it has been classified as a Variant of Uncertain Significance.